The following is an entry in ClinVar:

ClinVar aggregate classification (germline): Uncertain significance (1 of 4 stars; one submission).

Conditions:
Lipoic acid synthetase deficiency. Also called: HYPERGLYCINEMIA, LACTIC ACIDOSIS, AND SEIZURES. Identifiers: Orphanet 401859, MedGen C3280887, MONDO:0013762, OMIM 614462.

Allele frequency attached by ClinVar (database versions not stated): gnomAD 0.00001.
gnomAD v4.1: 4 of 1,613,342 alleles (0.00025%); highest among the groups gnomAD compares: Admixed American, 0.0067%; no homozygotes.

Submission:

Labcorp Genetics (formerly Invitae), Labcorp
Classification: Uncertain significance for Lipoic acid synthetase deficiency. Last evaluated: 2023-12-11. Review status: criteria provided, single submitter. Criteria: Invitae Variant Classification Sherloc (09022015). Collection method: clinical testing. Allele origin: germline.
Comment: This sequence change replaces arginine, which is basic and polar, with histidine, which is basic and polar, at codon 10 of the LIAS protein (p.Arg10His). The frequency data for this variant in the population databases is considered unreliable, as metrics indicate poor data quality at this position in the gnomAD database. This variant has not been reported in the literature in individuals affected with LIAS-related conditions. ClinVar contains an entry for this variant (Variation ID: 540084). An algorithm developed to predict the effect of missense changes on protein structure and function (PolyPhen-2) suggests that this variant is likely to be tolerated. In summary, the available evidence is currently insufficient to determine the role of this variant in disease. Therefore, it has been classified as a Variant of Uncertain Significance.

NM_006859.4(LIAS):c.29G>A (p.Arg10His)

Genes: LIAS (lipoic acid synthetase; plus strand), LOC112939935 (Sharpr-MPRA regulatory region 11886; plus strand). Cytogenetic location: 4p14.
Variant type: single nucleotide variant.
Coding change: c.29G>A on transcript NM_006859.4 (MANE Select); coding-DNA position 29, G replaced by A.
Protein change: p.Arg10His; replaces arginine 10 with histidine.
Molecular consequence: missense variant.
Genome position (GRCh38, 1-based): chr4:39,459,146, G>A. VCF-style: chr4-39459146-G-A. GRCh37 (hg19) VCF-style: chr4-39460766-G-A.
Other names: c.29G>A, p.Arg10His (NM_001278590.2, NM_001278591.2, NM_001278592.2 and 2 more transcripts); short protein forms R10H.
Identifiers: ClinVar variation 540084 (VCV000540084.8), dbSNP rs1370681479, ClinGen allele CA356663505.